The following is an entry in ClinVar:

NM_001136191.3(KANK2):c.1590G>T (p.Glu530Asp)

Gene: KANK2 (KN motif and ankyrin repeat domains 2; minus strand). Cytogenetic location: 19p13.2.
Variant type: single nucleotide variant.
Coding change: c.1590G>T on transcript NM_001136191.3 (MANE Select); coding-DNA position 1590, G replaced by T.
Protein change: p.Glu530Asp; replaces glutamic acid 530 with aspartic acid.
Molecular consequence: missense variant.
Genome position (GRCh38, 1-based): chr19:11,176,748, C>A on the plus strand (G>T on the coding strand, the complement: KANK2 is on the minus strand). VCF-style: chr19-11176748-C-A. GRCh37 (hg19) VCF-style: chr19-11287424-C-A.
Other names: c.1590G>T, p.Glu530Asp (NM_001329451.2, NM_001379555.1, NM_001379556.1 and 7 more transcripts); c.1614G>T, p.Glu538Asp (NM_001379548.1, NM_001379549.1, NM_001379550.1 and 5 more transcripts); short protein forms E530D, E538D.
Identifiers: ClinVar variation 4796863 (VCV004796863.1).

ClinVar aggregate classification (germline): Uncertain significance (1 of 4 stars; one submission).

gnomAD v4.1: 2 of 1,606,866 alleles (0.00012%); highest among the groups gnomAD compares: Non-Finnish European, 0.000085%; no homozygotes.

Submission:

Labcorp Genetics (formerly Invitae), Labcorp
Classification: Uncertain significance. Last evaluated: 2025-04-17. Review status: criteria provided, single submitter. Criteria: Invitae Variant Classification Sherloc (09022015). Collection method: clinical testing. Allele origin: germline.
Comment: This sequence change replaces glutamic acid, which is acidic and polar, with aspartic acid, which is acidic and polar, at codon 530 of the KANK2 protein (p.Glu530Asp). This variant is not present in population databases (gnomAD no frequency). This variant has not been reported in the literature in individuals affected with KANK2-related conditions. An algorithm developed to predict the effect of missense changes on protein structure and function (PolyPhen-2) suggests that this variant is likely to be disruptive. In summary, the available evidence is currently insufficient to determine the role of this variant in disease. Therefore, it has been classified as a Variant of Uncertain Significance.